The following is an entry in ClinVar:

ClinVar aggregate classification (germline): Likely benign. Review status: criteria provided, multiple submitters, no conflicts (2 of 4 stars). 3 submissions from 3 submitters: Likely benign (2). 1 of the submissions does not count toward it. Last evaluated 2025-09-15.

Conditions:
LAMA5-related disorder. Also called: LAMA5-Related Disorders; LAMA5-related condition.

Allele frequency attached by ClinVar (database versions not stated): gnomAD exomes 0.00010; ExAC 0.00011; ESP Exome Variant Server 0.00031; TOPMed 0.00039; gnomAD 0.00042.
gnomAD v4.1: 206 of 1,612,780 alleles (0.013%); highest among the groups gnomAD compares: African/African-American, 0.11%; 2 homozygotes.

Submissions (3):

Labcorp Genetics (formerly Invitae), Labcorp
Classification: Likely benign. Last evaluated: 2025-09-15. Review status: criteria provided, single submitter. Criteria: Invitae Variant Classification Sherloc (09022015). Collection method: clinical testing. Allele origin: germline.

Breakthrough Genomics
Classification: Likely benign. Review status: criteria provided, single submitter. Criteria: ACMG Guidelines, 2015. Collection method: not provided. Allele origin: germline. Inheritance: Autosomal recessive inheritance. Affected: yes.

PreventionGenetics, part of Exact Sciences
Classification: Likely benign for LAMA5-related condition. Last evaluated: 2019-08-25. Review status: no assertion criteria provided. Collection method: clinical testing. Allele origin: germline. Not counted in ClinVar's aggregate classification.
Comment: This variant is classified as likely benign based on ACMG/AMP sequence variant interpretation guidelines (Richards et al. 2015 PMID: 25741868, with internal and published modifications).

NM_005560.6(LAMA5):c.2718C>T (p.Tyr906=)

Gene: LAMA5 (laminin subunit alpha 5; minus strand). Cytogenetic location: 20q13.33.
Variant type: single nucleotide variant.
Coding change: c.2718C>T on transcript NM_005560.6 (MANE Select); coding-DNA position 2718, C replaced by T.
Protein change: p.Tyr906=; no amino-acid change (tyrosine 906 retained).
Molecular consequence: synonymous variant.
Genome position (GRCh38, 1-based): chr20:62,334,207, G>A on the plus strand (C>T on the coding strand, the complement: LAMA5 is on the minus strand). VCF-style: chr20-62334207-G-A. GRCh37 (hg19) VCF-style: chr20-60909263-G-A.
Other names: c.2718C>T (NM_005560.4).
Identifiers: ClinVar variation 2069565 (VCV002069565.7), dbSNP rs141049099, ClinGen allele CA9943364.
Genomic context (GRCh38, chr20:62,334,207, plus strand): 5'-CTTCTAGGCTGAGCCTGGGAGGGGGAGCACAGCGCCCACCTGGACAGGTGCCATCTGCGC[G>A]TAGCCCCTCCAGCTGAAGTTCTCGAACTCGAGGGGGTTGAAGCCAAAGCGCACGGCGTGA-3'
Protein context (NP_005551.3, residues 896-916): LEFENFSWRG[Tyr906=]AQMAPVQPRI